The following is an entry in ClinVar:

ClinVar aggregate classification (germline): Uncertain significance. Review status: criteria provided, multiple submitters, no conflicts (2 of 4 stars). 3 submissions from 3 submitters: Uncertain significance (3). Last evaluated 2024-03-06.

Conditions:
Hereditary cancer-predisposing syndrome. Also called: Hereditary neoplastic syndrome; Neoplastic Syndromes, Hereditary; Tumor predisposition; Hereditary Cancer Syndrome. Identifiers: Orphanet 140162, MedGen C0027672, MeSH D009386, MONDO:0015356.
Familial cancer of breast. Also called: hereditary breast carcinoma; BREAST CANCER, FAMILIAL; Hereditary breast cancer. Identifiers: Orphanet 227535, MedGen C0346153, MONDO:0016419, OMIM 114480. Disease mechanism: loss of function.

Allele frequency attached by ClinVar (database versions not stated): gnomAD exomes below 0.00001.
gnomAD v4.1: 1 of 1,614,230 alleles (0.000062%); highest among the groups gnomAD compares: South Asian, 0.0011%; no homozygotes.

Submissions (3):

Color Diagnostics, LLC DBA Color Health
Classification: Uncertain significance for Hereditary cancer-predisposing syndrome. Last evaluated: 2024-03-06. Review status: criteria provided, single submitter. Criteria: ACMG Guidelines, 2015. Collection method: clinical testing. Allele origin: germline.
Comment: This missense variant replaces threonine with alanine at codon 468 of the PALB2 protein. Computational prediction suggests that this variant may not impact protein structure and function (internally defined REVEL score threshold <= 0.5, PMID: 27666373). To our knowledge, functional studies have not been reported for this variant. This variant has not been reported in individuals affected with hereditary cancer in the literature. This variant has not been identified in the general population by the Genome Aggregation Database (gnomAD). The available evidence is insufficient to determine the role of this variant in disease conclusively. Therefore, this variant is classified as a Variant of Uncertain Significance.

Labcorp Genetics (formerly Invitae), Labcorp
Classification: Uncertain significance for Familial cancer of breast. Last evaluated: 2023-05-19. Review status: criteria provided, single submitter. Criteria: Invitae Variant Classification Sherloc (09022015). Collection method: clinical testing. Allele origin: germline.
Comment: In summary, the available evidence is currently insufficient to determine the role of this variant in disease. Therefore, it has been classified as a Variant of Uncertain Significance. Advanced modeling of protein sequence and biophysical properties (such as structural, functional, and spatial information, amino acid conservation, physicochemical variation, residue mobility, and thermodynamic stability) performed at Invitae indicates that this missense variant is not expected to disrupt PALB2 protein function. ClinVar contains an entry for this variant (Variation ID: 941779). This variant has not been reported in the literature in individuals affected with PALB2-related conditions. This variant is not present in population databases (gnomAD no frequency). This sequence change replaces threonine, which is neutral and polar, with alanine, which is neutral and non-polar, at codon 468 of the PALB2 protein (p.Thr468Ala).

Ambry Genetics
Classification: Uncertain significance for Hereditary cancer-predisposing syndrome. Last evaluated: 2015-11-25. Review status: criteria provided, single submitter. Criteria: Ambry Variant Classification Scheme 2023. Collection method: clinical testing. Allele origin: germline.
Comment: The p.T468A variant (also known as c.1402A>G), located in coding exon 4 of the PALB2 gene, results from an A to G substitution at nucleotide position 1402. The threonine at codon 468 is replaced by alanine, an amino acid with similar properties. This variant was not reported in population based cohorts in the following databases: Database of Single Nucleotide Polymorphisms (dbSNP), NHLBI Exome Sequencing Project (ESP), and 1000 Genomes Project. In the ESP, this variant was not observed in 6497 samples (12994 alleles) with coverage at this position. To date, this alteration has been detected with an allele frequency of approximately 0.001% (greater than 130000 alleles tested) in our clinical cohort. This amino acid position is poorly conserved in available vertebrate species. In addition, this alteration is predicted to be tolerated by in silico analysis. Since supporting evidence is limited at this time, the clinical significance of p.T468A remains unclear.

NM_024675.4(PALB2):c.1402A>G (p.Thr468Ala)

Gene: PALB2 (partner and localizer of BRCA2; minus strand). Cytogenetic location: 16p12.2.
Variant type: single nucleotide variant.
Coding change: c.1402A>G on transcript NM_024675.4 (MANE Select); coding-DNA position 1402, A replaced by G.
Protein change: p.Thr468Ala; replaces threonine 468 with alanine.
Molecular consequence: missense variant.
Genome position (GRCh38, 1-based): chr16:23,635,144, T>C on the plus strand (A>G on the coding strand, the complement: PALB2 is on the minus strand). VCF-style: chr16-23635144-T-C. GRCh37 (hg19) VCF-style: chr16-23646465-T-C.
Other names: short protein forms T468A.
Identifiers: ClinVar variation 941779 (VCV000941779.17), dbSNP rs1966971242, ClinGen allele CA395131344.